The following is an entry in ClinVar:

NM_032856.5(WDR73):c.42G>C (p.Leu14Phe)

Gene: WDR73 (WD repeat domain 73; minus strand). Cytogenetic location: 15q25.2.
Variant type: single nucleotide variant.
Coding change: c.42G>C on transcript NM_032856.5 (MANE Select); coding-DNA position 42, G replaced by C.
Protein change: p.Leu14Phe; replaces leucine 14 with phenylalanine.
Molecular consequence: missense variant. On other transcripts: non-coding transcript variant (4).
Genome position (GRCh38, 1-based): chr15:84,653,699, C>G on the plus strand (G>C on the coding strand, the complement: WDR73 is on the minus strand). VCF-style: chr15-84653699-C-G. GRCh37 (hg19) VCF-style: chr15-85196930-C-G.
Other names: short protein forms L14F.
Identifiers: ClinVar variation 3373578 (VCV003373578.1).

ClinVar aggregate classification (germline): Uncertain significance (1 of 4 stars; one submission).

gnomAD v4.1: 12 of 1,587,262 alleles (0.00076%); highest among the groups gnomAD compares: African/African-American, 0.0013%; no homozygotes.

Submission:

GeneDx
Classification: Uncertain significance. Last evaluated: 2024-02-29. Review status: criteria provided, single submitter. Criteria: GeneDx Variant Classification Process June 2021. Collection method: clinical testing. Allele origin: germline. Affected: yes.
Comment: Has not been previously published as pathogenic or benign to our knowledge